The following is an entry in ClinVar:

NM_007254.4(PNKP):c.1299-3C>G

Gene: PNKP (polynucleotide kinase 3'-phosphatase; minus strand). Cytogenetic location: 19q13.33.
Variant type: single nucleotide variant.
Coding change: c.1299-3C>G on transcript NM_007254.4 (MANE Select); 3 bases into the intron before coding-DNA position 1299, C replaced by G.
Molecular consequence: intron variant.
Genome position (GRCh38, 1-based): chr19:49,861,698, G>C on the plus strand (C>G on the coding strand, the complement: PNKP is on the minus strand). VCF-style: chr19-49861698-G-C. GRCh37 (hg19) VCF-style: chr19-50364955-G-C.
Identifiers: ClinVar variation 4281230 (VCV004281230.7).
Genomic context (GRCh38, chr19:49,861,698, plus strand): 5'-GGCGGTGAAGAGGAAGCAGCGGCAGGGGACGCCCGCGGCTCGGGCACACTGGACGTACCT[G>C]TGGGGGAAGGAGCTGGATGTGCAGGCCCCGCCCACCCCGCCGCAGGCCACCTACGGCCCC-3'

ClinVar aggregate classification (germline): Likely pathogenic (1 of 4 stars; one submission).

Submission:

CeGaT Center for Human Genetics Tuebingen
Classification: Likely pathogenic. Last evaluated: 2025-09-01. Review status: criteria provided, single submitter. Criteria: CeGaT Center For Human Genetics Tuebingen Variant Classification Criteria Version 2. Collection method: clinical testing. Allele origin: germline. Affected: yes. Observed: 1 variant allele.
Comment: PNKP: PVS1:Strong, PM2, PM3